The following is an entry in ClinVar:

NM_003476.5(CSRP3):c.526T>G (p.Phe176Val)

Gene: CSRP3 (cysteine and glycine rich protein 3; minus strand). Cytogenetic location: 11p15.1.
Variant type: single nucleotide variant.
Coding change: c.526T>G on transcript NM_003476.5 (MANE Select); coding-DNA position 526, T replaced by G.
Protein change: p.Phe176Val; replaces phenylalanine 176 with valine.
Molecular consequence: missense variant.
Genome position (GRCh38, 1-based): chr11:19,182,729, A>C on the plus strand (T>G on the coding strand, the complement: CSRP3 is on the minus strand). VCF-style: chr11-19182729-A-C. GRCh37 (hg19) VCF-style: chr11-19204276-A-C.
Other names: c.357T>G, p.Ile119Met (NM_001369404.1); short protein forms F176V, I119M.
Identifiers: ClinVar variation 1329258 (VCV001329258.3), dbSNP rs2133503927, ClinGen allele CA379887549.
Genomic context (GRCh38, chr11:19,182,729, plus strand): 5'-TTCATTCTTTCTTTTCCACTTGTTGTGTAAGGCCTCCAAACCCAATACCCGTGGGGCCAA[A>C]ATTTTTGGCATAGCAAACTGTGAATGAGAAGAGGATGAAGGGAGAGACAATGCATTGGTT-3'
Protein context (NP_003467.1, residues 166-186): LYCKVCYAKN[Phe176Val]GPTGIGFGGL

ClinVar aggregate classification (germline): Uncertain significance. Review status: criteria provided, multiple submitters, no conflicts (2 of 4 stars). 2 submissions from 2 submitters: Uncertain significance (2). Last evaluated 2024-02-20.

Conditions:
Cardiomyopathy (CMYO). Also called: Cardiomyopathies. Identifiers: Orphanet 167848, MedGen C0878544, MONDO:0004994, HP:0001638. Inheritance: Various modes of inheritance.

Submissions (2):

GeneDx
Classification: Uncertain significance. Last evaluated: 2024-02-20. Review status: criteria provided, single submitter. Criteria: GeneDx Variant Classification Process June 2021. Collection method: clinical testing. Allele origin: germline. Affected: yes.
Comment: Not observed at significant frequency in large population cohorts (gnomAD); In silico analysis supports that this missense variant has a deleterious effect on protein structure/function; Has not been previously published as pathogenic or benign to our knowledge

CHEO Genetics Diagnostic Laboratory, Children's Hospital of Eastern Ontario
Classification: Uncertain significance for Cardiomyopathy. Last evaluated: 2020-08-10. Review status: criteria provided, single submitter. Criteria: ACMG Guidelines, 2015. Collection method: clinical testing. Allele origin: germline.